The following is an entry in ClinVar:

ClinVar aggregate classification (germline): Conflicting classifications of pathogenicity. Review status: criteria provided, conflicting classifications (1 of 4 stars). 8 submissions from 8 submitters: Uncertain significance (2); Benign (1); Likely benign (5). Last evaluated 2025-08-29.

Conditions:
Classic or attenuated familial adenomatous polyposis. Identifiers: MedGen CN372698, MONDO:0021057.
Hereditary cancer-predisposing syndrome. Also called: Hereditary Cancer Syndrome; Hereditary neoplastic syndrome; Neoplastic Syndromes, Hereditary; Tumor predisposition. Identifiers: Orphanet 140162, MedGen C0027672, MeSH D009386, MONDO:0015356.
Familial adenomatous polyposis 1 (FAP1). Also called: FAMILIAL ADENOMATOUS POLYPOSIS 1, ATTENUATED; POLYPOSIS, ADENOMATOUS INTESTINAL. Identifiers: MedGen C2713442, MONDO:0021056, OMIM 175100. Disease mechanism: loss of function.

Allele frequency attached by ClinVar (database versions not stated): gnomAD exomes below 0.00001.
gnomAD v4.1: 1 of 1,612,088 alleles (0.000062%); highest among the groups gnomAD compares: Non-Finnish European, 0.000085%; no homozygotes.

Submissions (8):

Labcorp Genetics (formerly Invitae), Labcorp
Classification: Likely benign for Familial adenomatous polyposis 1. Last evaluated: 2025-08-29. Review status: criteria provided, single submitter. Criteria: Invitae Variant Classification Sherloc (09022015). Collection method: clinical testing. Allele origin: germline.

GeneDx
Classification: Uncertain significance. Last evaluated: 2024-04-11. Review status: criteria provided, single submitter. Criteria: GeneDx Variant Classification Process June 2021. Collection method: clinical testing. Allele origin: germline. Affected: yes.
Comment: Not observed at significant frequency in large population cohorts (gnomAD); In silico analysis supports a deleterious effect on splicing; Has not been previously published as pathogenic or benign to our knowledge

Quest Diagnostics Nichols Institute San Juan Capistrano
Classification: Uncertain significance. Last evaluated: 2024-03-26. Review status: criteria provided, single submitter. Criteria: Quest Diagnostics criteria. Collection method: clinical testing. Allele origin: unknown.
Comment: The APC c.1962A>G (p.Gln654=) synonymous variant has not been reported in individuals with APC-related conditions in the published literature. It also has not been reported in large, multi-ethnic general populations (Genome Aggregation Database). Analysis of this variant using software algorithms for the prediction of the effect of nucleotide changes on splicing yielded predictions that this variant does not affect APC mRNA splicing. Based on the available information, we are unable to determine the clinical significance of this variant.

Myriad Genetics, Inc.
Classification: Benign for Familial adenomatous polyposis 1. Last evaluated: 2024-03-08. Review status: criteria provided, single submitter. Criteria: Myriad Autosomal Dominant, Autosomal Recessive and X-Linked Classification Criteria (2023). Collection method: clinical testing. Allele origin: unknown.
Comment: This variant is considered benign. This variant is a silent/synonymous amino acid change and it is not expected to impact splicing.

All of Us Research Program, National Institutes of Health
Classification: Likely benign for Classic or attenuated familial adenomatous polyposis. Last evaluated: 2023-11-20. Review status: criteria provided, single submitter. Criteria: ACMG Guidelines, 2015. Collection method: clinical testing. Allele origin: germline. Inheritance: Autosomal dominant inheritance. Observed: 2 variant alleles, 2 heterozygotes.
Comment: This study involves interpretation of variants in research participants for the purpose of population health screening. Participant phenotype was not available at the time of variant classification. Additional details can be found in publication PMID: 35346344, PMCID: PMC8962531

Women's Health and Genetics/Laboratory Corporation of America, LabCorp
Classification: Likely benign. Last evaluated: 2022-05-02. Review status: criteria provided, single submitter. Criteria: LabCorp Variant Classification Summary - May 2015. Collection method: clinical testing. Allele origin: germline.
Comment: Variant summary: APC c.1962A>G alters a conserved nucleotide resulting in a synonymous change. 4/4 computational tools predict no significant impact on normal splicing. However, these predictions have yet to be confirmed by functional studies. The variant was absent in 250426 control chromosomes. The available data on variant occurrences in the general population are insufficient to allow any conclusion about variant significance. To our knowledge, no occurrence of c.1962A>G in individuals affected with Familial Adenomatous Polyposis and no experimental evidence demonstrating its impact on protein function have been reported. Four clinical diagnostic laboratories have submitted clinical-significance assessments for this variant to ClinVar after 2014 without evidence for independent evaluation. All laboratories classified the variant as benign/likely benign. Based on the evidence outlined above, the variant was classified as likely benign.

Ambry Genetics
Classification: Likely benign for Hereditary cancer-predisposing syndrome. Last evaluated: 2019-02-28. Review status: criteria provided, single submitter. Criteria: Ambry Variant Classification Scheme 2023. Collection method: clinical testing. Allele origin: germline.

Color Diagnostics, LLC DBA Color Health
Classification: Likely benign for Hereditary cancer-predisposing syndrome. Last evaluated: 2017-11-20. Review status: criteria provided, single submitter. Criteria: ACMG Guidelines, 2015. Collection method: clinical testing. Allele origin: germline.

NM_000038.6(APC):c.1962A>G (p.Gln654=)

Gene: APC (APC regulator of Wnt signaling pathway; plus strand). Cytogenetic location: 5q22.2.
Variant type: single nucleotide variant.
Coding change: c.1962A>G on transcript NM_000038.6 (MANE Select); coding-DNA position 1962, A replaced by G.
Protein change: p.Gln654=; no amino-acid change (glutamine 654 retained).
Molecular consequence: synonymous variant.
Genome position (GRCh38, 1-based): chr5:112,837,556, A>G. VCF-style: chr5-112837556-A-G. GRCh37 (hg19) VCF-style: chr5-112173253-A-G.
Other names: c.1962A>G, p.Gln654= (NM_001127510.3, NM_001354895.2); c.1908A>G, p.Gln636= (NM_001127511.3); c.2016A>G, p.Gln672= (NM_001354896.2); c.1992A>G, p.Gln664= (NM_001354897.2); c.1887A>G, p.Gln629= (NM_001354898.2); c.1878A>G, p.Gln626= (NM_001354899.2); c.1839A>G, p.Gln613= (NM_001354900.2); c.1785A>G, p.Gln595= (NM_001354901.2); and 5 more.
Identifiers: ClinVar variation 389718 (VCV000389718.23), dbSNP rs1057523515, ClinGen allele CA16604770.